The following is an entry in ClinVar:

ClinVar aggregate classification (germline): Uncertain significance. Review status: criteria provided, multiple submitters, no conflicts (2 of 4 stars). 2 submissions from 2 submitters: Uncertain significance (2). Last evaluated 2026-01-05.

Conditions:
T-B+ severe combined immunodeficiency due to JAK3 deficiency. Also called: SCID, T CELL-NEGATIVE, B CELL-POSITIVE, NK CELL-NEGATIVE; SCID, autosomal recessive, T-negative/B-positive type. Identifiers: Orphanet 35078, MedGen C1833275, MONDO:0010938, OMIM 600802.

Allele frequency attached by ClinVar (database versions not stated): gnomAD exomes 0.00009 and 0.00016; ESP Exome Variant Server 0.00008; ExAC 0.00008; gnomAD 0.00009; TOPMed 0.00015.

Submissions (2):

Labcorp Genetics (formerly Invitae), Labcorp
Classification: Uncertain significance for T-B+ severe combined immunodeficiency due to JAK3 deficiency. Last evaluated: 2026-01-05. Review status: criteria provided, single submitter. Criteria: Invitae Variant Classification Sherloc (09022015). Collection method: clinical testing. Allele origin: germline.
Comment: This sequence change replaces arginine, which is basic and polar, with histidine, which is basic and polar, at codon 887 of the JAK3 protein (p.Arg887His). This variant is present in population databases (rs148688786, gnomAD 0.1%). This variant has not been reported in the literature in individuals affected with JAK3-related conditions. ClinVar contains an entry for this variant (Variation ID: 639139). Invitae Evidence Modeling of protein sequence and biophysical properties (such as structural, functional, and spatial information, amino acid conservation, physicochemical variation, residue mobility, and thermodynamic stability) has been performed for this missense variant. However, the output from this modeling did not meet the statistical confidence thresholds required to predict the impact of this variant on JAK3 protein function. In summary, the available evidence is currently insufficient to determine the role of this variant in disease. Therefore, it has been classified as a Variant of Uncertain Significance.

Illumina Laboratory Services, Illumina
Classification: Uncertain significance for T-B+ severe combined immunodeficiency due to JAK3 deficiency. Last evaluated: 2018-01-13. Review status: criteria provided, single submitter. Criteria: ICSL Variant Classification Criteria 13 December 2019. Collection method: clinical testing. Allele origin: germline.

NM_000215.4(JAK3):c.2660G>A (p.Arg887His)

Gene: JAK3 (Janus kinase 3; minus strand). Cytogenetic location: 19p13.11.
Variant type: single nucleotide variant.
Coding change: c.2660G>A on transcript NM_000215.4 (MANE Select); coding-DNA position 2660, G replaced by A.
Protein change: p.Arg887His; replaces arginine 887 with histidine.
Molecular consequence: missense variant.
Genome position (GRCh38, 1-based): chr19:17,832,539, C>T on the plus strand (G>A on the coding strand, the complement: JAK3 is on the minus strand). VCF-style: chr19-17832539-C-T. GRCh37 (hg19) VCF-style: chr19-17943348-C-T.
Other names: short protein forms R887H.
Identifiers: ClinVar variation 639139 (VCV000639139.9), dbSNP rs148688786, ClinGen allele CA9301560.
Genomic context (GRCh38, chr19:17,832,539, plus strand): 5'-ACCCATACGTCTTGGTTCACTCATCCGGGAGCTGGCTCACCCGGGCCATAGCTGACACCA[C>T]GATACTTGACAATGAAATCACTGTGCAGTGCTTTGAGGATCTGAATCTCCCGCTGAAAGT-3'
Protein context (NP_000206.2, residues 877-897): ALHSDFIVKY[Arg887His]GVSYGPGRQS